The following is an entry in ClinVar:

NM_001352754.2(ARMC9):c.1340C>T (p.Pro447Leu)

Gene: ARMC9 (armadillo repeat containing 9; plus strand). Cytogenetic location: 2q37.1.
Variant type: single nucleotide variant.
Coding change: c.1340C>T on transcript NM_001352754.2 (MANE Select); coding-DNA position 1340, C replaced by T.
Protein change: p.Pro447Leu; replaces proline 447 with leucine.
Molecular consequence: missense variant. On other transcripts: non-coding transcript variant (1).
Genome position (GRCh38, 1-based): chr2:231,276,641, C>T. VCF-style: chr2-231276641-C-T. GRCh37 (hg19) VCF-style: chr2-232141354-C-T.
Other names: c.1340C>T, p.Pro447Leu (NM_001271466.4, NM_001291656.2, NM_001352755.2 and 3 more transcripts); c.1241C>T, p.Pro414Leu (NM_001352757.2, NM_001352758.2); short protein forms P414L, P447L.
Identifiers: ClinVar variation 970608 (VCV000970608.12), dbSNP rs778877264, ClinGen allele CA2160304.

ClinVar aggregate classification (germline): Conflicting classifications of pathogenicity. Review status: criteria provided, conflicting classifications (1 of 4 stars). 5 submissions from 5 submitters: Uncertain significance (4); Likely benign (1). Last evaluated 2024-07-15.

Conditions:
Joubert syndrome 30. Identifiers: MedGen C4539937, MONDO:0033308, OMIM 617622.

Allele frequency attached by ClinVar (database versions not stated): gnomAD 0.00004 and 0.00005; TOPMed 0.00006.
gnomAD v4.1: 83 of 1,614,118 alleles (0.0051%); highest among the groups gnomAD compares: Middle Eastern, 0.23%; no homozygotes.

Submissions (5):

Blueprint Genetics
Classification: Likely benign. Last evaluated: 2024-07-15. Review status: criteria provided, single submitter. Criteria: ACMG Guidelines, 2015. Collection method: clinical testing. Allele origin: germline.

Labcorp Genetics (formerly Invitae), Labcorp
Classification: Uncertain significance. Last evaluated: 2023-11-27. Review status: criteria provided, single submitter. Criteria: Invitae Variant Classification Sherloc (09022015). Collection method: clinical testing. Allele origin: germline.
Comment: This sequence change replaces proline, which is neutral and non-polar, with leucine, which is neutral and non-polar, at codon 447 of the ARMC9 protein (p.Pro447Leu). This variant is present in population databases (rs778877264, gnomAD 0.05%). This variant has not been reported in the literature in individuals affected with ARMC9-related conditions. ClinVar contains an entry for this variant (Variation ID: 970608). Experimental studies and prediction algorithms are not available or were not evaluated, and the functional significance of this variant is currently unknown. In summary, the available evidence is currently insufficient to determine the role of this variant in disease. Therefore, it has been classified as a Variant of Uncertain Significance.

Women's Health and Genetics/Laboratory Corporation of America, LabCorp
Classification: Uncertain significance. Last evaluated: 2023-09-05. Review status: criteria provided, single submitter. Criteria: LabCorp Variant Classification Summary - May 2015. Collection method: clinical testing. Allele origin: germline.
Comment: Variant summary: ARMC9 c.1340C>T (p.Pro447Leu) results in a non-conservative amino acid change in the encoded protein sequence. Four of five in-silico tools predict a benign effect of the variant on protein function. The variant allele was found at a frequency of 0.0001 in 251364 control chromosomes (gnomAD). To our knowledge, no occurrence of c.1340C>T in individuals affected with ARMC9-Related Joubert Syndrome and no experimental evidence demonstrating its impact on protein function have been reported. Two submitters have cited clinical-significance assessments for this variant to ClinVar after 2014. All submitters classified the variant as uncertain significance. Based on the evidence outlined above, the variant was classified as uncertain significance.

Revvity Omics, Revvity
Classification: Uncertain significance for Joubert syndrome 30. Last evaluated: 2019-06-14. Review status: criteria provided, single submitter. Criteria: ACMG Guidelines, 2015. Collection method: clinical testing. Allele origin: germline.

Breakthrough Genomics
Classification: Uncertain significance. Review status: criteria provided, single submitter. Criteria: ACMG Guidelines, 2015. Collection method: not provided. Allele origin: germline. Inheritance: Autosomal recessive inheritance. Affected: yes.